The following is an entry in ClinVar:

NM_001386795.1(DTNA):c.709+260G>A

Gene: DTNA (dystrobrevin alpha; plus strand). Cytogenetic location: 18q12.1.
Variant type: single nucleotide variant.
Coding change: c.709+260G>A on transcript NM_001386795.1 (MANE Select); 260 bases into the intron after coding-DNA position 709, G replaced by A.
Molecular consequence: intron variant.
Genome position (GRCh38, 1-based): chr18:34,816,274, G>A. VCF-style: chr18-34816274-G-A. GRCh37 (hg19) VCF-style: chr18-32396238-G-A.
Other names: c.709+260G>A (NM_032975.4, NM_001386761.1, NM_001386762.1 and 34 more transcripts); c.603+4161G>A (NM_001198945.2).
Identifiers: ClinVar variation 669794 (VCV000669794.1), dbSNP rs145396517, ClinGen allele CA297759883.

ClinVar aggregate classification (germline): Benign (1 of 4 stars; one submission).

Allele frequency attached by ClinVar (database versions not stated): 1000 Genomes Project 30x 0.00375; 1000 Genomes Project 0.00399; TOPMed 0.01297; gnomAD 0.01795 and 0.01892.
gnomAD v4.1: 2,738 of 152,240 alleles (1.8%); highest among the groups gnomAD compares: Non-Finnish European, 2.5%; 47 homozygotes.

Submission:

GeneDx
Classification: Benign. Last evaluated: 2018-06-16. Review status: criteria provided, single submitter. Criteria: GeneDx Variant Classification (06012015). Collection method: clinical testing. Allele origin: germline. Affected: yes.
Comment: This variant is considered likely benign or benign based on one or more of the following criteria: it is a conservative change, it occurs at a poorly conserved position in the protein, it is predicted to be benign by multiple in silico algorithms, and/or has population frequency not consistent with disease.